The following is an entry in ClinVar:

NM_020041.3(SLC2A9):c.1139G>A (p.Arg380Gln)

Gene: SLC2A9 (solute carrier family 2 member 9; minus strand). Cytogenetic location: 4p16.1.
Variant type: single nucleotide variant.
Coding change: c.1139G>A on transcript NM_020041.3 (MANE Select); coding-DNA position 1139, G replaced by A.
Protein change: p.Arg380Gln; replaces arginine 380 with glutamine.
Molecular consequence: missense variant.
Genome position (GRCh38, 1-based): chr4:9,890,686, C>T on the plus strand (G>A on the coding strand, the complement: SLC2A9 is on the minus strand). VCF-style: chr4-9890686-C-T. GRCh37 (hg19) VCF-style: chr4-9892310-C-T.
Other names: p.Arg380Gln; c.1139G>A (NM_020041.2); c.1052G>A, p.Arg351Gln (NM_001001290.2); short protein forms R351Q, R380Q.
Identifiers: ClinVar variation 1523026 (VCV001523026.5), dbSNP rs145536778, ClinGen allele CA2856950.

ClinVar aggregate classification (germline): Uncertain significance. Review status: criteria provided, multiple submitters, no conflicts (2 of 4 stars). 3 submissions from 3 submitters: Uncertain significance (3). Last evaluated 2025-01-10.

Conditions:
SLC2A9-related disorder. Also called: SLC2A9-related condition.

Allele frequency attached by ClinVar (database versions not stated): ExAC 0.00002; gnomAD 0.00002; gnomAD exomes 0.00002 and 0.00005; TOPMed 0.00002; ESP Exome Variant Server 0.00008.
gnomAD v4.1: 70 of 1,613,918 alleles (0.0043%); highest among the groups gnomAD compares: Non-Finnish European, 0.0056%; no homozygotes.

Submissions (3):

PreventionGenetics, part of Exact Sciences
Classification: Uncertain significance for SLC2A9-related condition. Last evaluated: 2025-01-10. Review status: criteria provided, single submitter. Criteria: ACMG Guidelines, 2015. Collection method: clinical testing. Allele origin: germline.
Comment: The SLC2A9 c.1139G>A variant is predicted to result in the amino acid substitution p.Arg380Gln. To our knowledge, this variant has not been reported in the literature. This variant is reported in 0.0054% of alleles in individuals of East Asian descent in gnomAD. At this time, the clinical significance of this variant is uncertain due to the absence of conclusive functional and genetic evidence.

Mayo Clinic Laboratories, Mayo Clinic
Classification: Uncertain significance. Last evaluated: 2023-06-02. Review status: criteria provided, single submitter. Criteria: ACMG Guidelines, 2015. Collection method: clinical testing. Allele origin: germline. Observed: 1 variant allele.
Comment: PM5

Labcorp Genetics (formerly Invitae), Labcorp
Classification: Uncertain significance. Last evaluated: 2021-10-28. Review status: criteria provided, single submitter. Criteria: Invitae Variant Classification Sherloc (09022015). Collection method: clinical testing. Allele origin: germline.
Comment: This sequence change replaces arginine, which is basic and polar, with glutamine, which is neutral and polar, at codon 380 of the SLC2A9 protein (p.Arg380Gln). This variant is present in population databases (rs145536778, gnomAD 0.006%). This variant has not been reported in the literature in individuals affected with SLC2A9-related conditions. Algorithms developed to predict the effect of missense changes on protein structure and function are either unavailable or do not agree on the potential impact of this missense change (SIFT: "Deleterious"; PolyPhen-2: "Probably Damaging"; Align-GVGD: "Class C0"). In summary, the available evidence is currently insufficient to determine the role of this variant in disease. Therefore, it has been classified as a Variant of Uncertain Significance.